The following is an entry in ClinVar:

NM_016169.4(SUFU):c.318-1G>T

Gene: SUFU (SUFU negative regulator of hedgehog signaling; plus strand). Cytogenetic location: 10q24.32.
Variant type: single nucleotide variant.
Coding change: c.318-1G>T on transcript NM_016169.4 (MANE Select); the canonical splice acceptor site of the intron before coding-DNA position 318, G replaced by T.
Molecular consequence: splice acceptor variant.
Genome position (GRCh38, 1-based): chr10:102,549,969, G>T. VCF-style: chr10-102549969-G-T. GRCh37 (hg19) VCF-style: chr10-104309726-G-T.
Other names: c.318-1G>T (NM_001178133.2).
Identifiers: ClinVar variation 5038378 (VCV005038378.1).

ClinVar aggregate classification (germline): Pathogenic (1 of 4 stars; one submission).

Conditions:
Basal cell nevus syndrome 1 (BCNS1). Also called: MULTIPLE BASAL CELL NEVI, ODONTOGENIC KERATOCYSTS, AND SKELETAL ANOMALIES; GORLIN-GOLTZ SYNDROME. Identifiers: MedGen CN376810, MONDO:0958174, OMIM 109400.

Submission:

St. Jude Molecular Pathology, St. Jude Children's Research Hospital
Classification: Pathogenic for Basal cell nevus syndrome 1. Last evaluated: 2026-10-01. Review status: criteria provided, single submitter. Criteria: St. Jude Assertion Criteria 2020. Collection method: clinical testing. Allele origin: germline.
Comment: The SUFU c.318-1G>T intronic change results in a G to T substitution at the -1 position of intron 2 of the SUFU gene. This variant is predicted to result in aberrant splicing, resul ting in nonsense-mediated decay or an abnormal protein product. This variant is absent in gnomAD v2.1.1. In summary, this variant m eets criteria to be classified as pathogenic.